The following is an entry in ClinVar:

NM_001447.3(FAT2):c.2647C>G (p.Arg883Gly)

Gene: FAT2 (FAT atypical cadherin 2; minus strand). Cytogenetic location: 5q33.1.
Variant type: single nucleotide variant.
Coding change: c.2647C>G on transcript NM_001447.3 (MANE Select); coding-DNA position 2647, C replaced by G.
Protein change: p.Arg883Gly; replaces arginine 883 with glycine.
Molecular consequence: missense variant.
Genome position (GRCh38, 1-based): chr5:151,566,285, G>C on the plus strand (C>G on the coding strand, the complement: FAT2 is on the minus strand). VCF-style: chr5-151566285-G-C. GRCh37 (hg19) VCF-style: chr5-150945846-G-C.
Other names: short protein forms R883G.
Identifiers: ClinVar variation 1923274 (VCV001923274.5), dbSNP rs751871508, ClinGen allele CA361851855.

ClinVar aggregate classification (germline): Uncertain significance (1 of 4 stars; one submission).

gnomAD v4.1: 3 of 1,613,942 alleles (0.00019%); highest among the groups gnomAD compares: African/African-American, 0.0027%; no homozygotes.

Submission:

Labcorp Genetics (formerly Invitae), Labcorp
Classification: Uncertain significance. Last evaluated: 2022-04-19. Review status: criteria provided, single submitter. Criteria: Invitae Variant Classification Sherloc (09022015). Collection method: clinical testing. Allele origin: germline.
Comment: This sequence change replaces arginine, which is basic and polar, with glycine, which is neutral and non-polar, at codon 883 of the FAT2 protein (p.Arg883Gly). This variant is present in population databases (no rsID available, gnomAD 0.008%). In summary, the available evidence is currently insufficient to determine the role of this variant in disease. Therefore, it has been classified as a Variant of Uncertain Significance. Algorithms developed to predict the effect of missense changes on protein structure and function (SIFT, PolyPhen-2, Align-GVGD) all suggest that this variant is likely to be disruptive. This variant has not been reported in the literature in individuals affected with FAT2-related conditions.